The following is an entry in ClinVar:

NM_007055.4(POLR3A):c.2753C>T (p.Pro918Leu)

Gene: POLR3A (RNA polymerase III subunit A; minus strand). Cytogenetic location: 10q22.3.
Variant type: single nucleotide variant.
Coding change: c.2753C>T on transcript NM_007055.4 (MANE Select); coding-DNA position 2753, C replaced by T.
Protein change: p.Pro918Leu; replaces proline 918 with leucine.
Molecular consequence: missense variant.
Genome position (GRCh38, 1-based): chr10:77,993,231, G>A on the plus strand (C>T on the coding strand, the complement: POLR3A is on the minus strand). VCF-style: chr10-77993231-G-A. GRCh37 (hg19) VCF-style: chr10-79752989-G-A.
Other names: short protein forms P918L.
Identifiers: ClinVar variation 2015980 (VCV002015980.1), dbSNP rs749164592, ClinGen allele CA5571040.

ClinVar aggregate classification (germline): Uncertain significance (1 of 4 stars; one submission).

Allele frequency attached by ClinVar (database versions not stated): gnomAD exomes below 0.00001; ExAC 0.00001; gnomAD 0.00005.
gnomAD v4.1: 12 of 1,613,708 alleles (0.00074%); highest among the groups gnomAD compares: Non-Finnish European, 0.001%; no homozygotes.

Submission:

Labcorp Genetics (formerly Invitae), Labcorp
Classification: Uncertain significance. Last evaluated: 2022-07-11. Review status: criteria provided, single submitter. Criteria: Invitae Variant Classification Sherloc (09022015). Collection method: clinical testing. Allele origin: germline.
Comment: This sequence change replaces proline, which is neutral and non-polar, with leucine, which is neutral and non-polar, at codon 918 of the POLR3A protein (p.Pro918Leu). This variant is present in population databases (rs749164592, gnomAD 0.006%). This variant has not been reported in the literature in individuals affected with POLR3A-related conditions. Algorithms developed to predict the effect of missense changes on protein structure and function are either unavailable or do not agree on the potential impact of this missense change (SIFT: "Deleterious"; PolyPhen-2: "Probably Damaging"; Align-GVGD: "Class C0"). In summary, the available evidence is currently insufficient to determine the role of this variant in disease. Therefore, it has been classified as a Variant of Uncertain Significance.